The following is an entry in ClinVar:

NM_001369268.1(ACAN):c.306C>A (p.Asp102Glu)

Gene: ACAN (aggrecan; plus strand). Cytogenetic location: 15q26.1.
Variant type: single nucleotide variant.
Coding change: c.306C>A on transcript NM_001369268.1 (MANE Select); coding-DNA position 306, C replaced by A.
Protein change: p.Asp102Glu; replaces aspartic acid 102 with glutamic acid.
Molecular consequence: missense variant.
Genome position (GRCh38, 1-based): chr15:88,838,898, C>A. VCF-style: chr15-88838898-C-A. GRCh37 (hg19) VCF-style: chr15-89382129-C-A.
Other names: c.306C>A, p.Asp102Glu (NM_001135.4, NM_013227.4); short protein forms D102E.
Identifiers: ClinVar variation 1206411 (VCV001206411.15), dbSNP rs16942318, ClinGen allele CA7719189.
Genomic context (GRCh38, chr15:88,838,898, plus strand): 5'-GGAGGTAGTGCTGCTGGTGGCCACTGAAGGGCGCGTGCGGGTCAACAGTGCCTATCAGGA[C>A]AAGGTCTCACTGCCCAACTACCCGGCCATCCCCAGTGACGCCACCTTGGAAGTCCAGAGC-3'
Protein context (NP_001356197.1, residues 92-112): GRVRVNSAYQ[Asp102Glu]KVSLPNYPAI

ClinVar aggregate classification (germline): Benign/Likely benign. Review status: criteria provided, multiple submitters, no conflicts (2 of 4 stars). 9 submissions from 7 submitters: Benign (6); Likely benign (1). 2 of the submissions do not count toward it. Last evaluated 2026-05-11.

Conditions:
Short stature and advanced bone age, with or without early-onset osteoarthritis and/or osteochondritis dissecans (SSOAOD). Identifiers: Orphanet 251262, MedGen C3665488, MONDO:0100462, OMIM 165800.
Spondyloepiphyseal dysplasia, Kimberley type. Identifiers: Orphanet 93283, MedGen C1842149, MONDO:0012019, OMIM 608361.
Spondyloepimetaphyseal dysplasia, aggrecan type. Also called: SEMD, AGGRECAN TYPE. Identifiers: Orphanet 171866, MedGen C2748544, MONDO:0013014, OMIM 612813.

Allele frequency attached by ClinVar (database versions not stated): gnomAD 0.04622 and 0.04874; ExAC 0.01777; TOPMed 0.05113; ESP Exome Variant Server 0.04489; 1000 Genomes Project 30x 0.05715; gnomAD exomes 0.01557; 1000 Genomes Project 0.05731.
gnomAD v4.1: 16,650 of 1,613,998 alleles (1%); highest among the groups gnomAD compares: African/African-American, 15%; 1,017 homozygotes.

Submissions (9):

Women's Health and Genetics/Laboratory Corporation of America, LabCorp
Classification: Likely benign. Last evaluated: 2026-05-11. Review status: criteria provided, single submitter. Criteria: LabCorp Variant Classification Summary - May 2015. Collection method: clinical testing. Allele origin: germline.

Labcorp Genetics (formerly Invitae), Labcorp
Classification: Benign. Last evaluated: 2026-02-02. Review status: criteria provided, single submitter. Criteria: Invitae Variant Classification Sherloc (09022015). Collection method: clinical testing. Allele origin: germline.

Genome-Nilou Lab
Classification: Benign for Short stature and advanced bone age, with or without early-onset osteoarthritis and/or osteochondritis dissecans. Last evaluated: 2021-12-05. Review status: criteria provided, single submitter. Criteria: ACMG Guidelines, 2015. Collection method: clinical testing. Allele origin: germline. Affected: no.

Genome-Nilou Lab
Classification: Benign for Spondyloepimetaphyseal dysplasia, aggrecan type. Last evaluated: 2021-12-05. Review status: criteria provided, single submitter. Criteria: ACMG Guidelines, 2015. Collection method: clinical testing. Allele origin: germline. Affected: no.

Genome-Nilou Lab
Classification: Benign for Spondyloepiphyseal dysplasia, Kimberley type. Last evaluated: 2021-12-05. Review status: criteria provided, single submitter. Criteria: ACMG Guidelines, 2015. Collection method: clinical testing. Allele origin: germline. Affected: no.

GeneDx
Classification: Benign. Last evaluated: 2018-07-05. Review status: criteria provided, single submitter. Criteria: GeneDx Variant Classification Process June 2021. Collection method: clinical testing. Allele origin: germline. Affected: yes.
Comment: This variant is associated with the following publications: (PMID: 30180840)

Breakthrough Genomics
Classification: Benign. Review status: criteria provided, single submitter. Criteria: ACMG Guidelines, 2015. Collection method: not provided. Allele origin: germline. Inheritance: Autosomal recessive inheritance. Affected: yes.

Joint Genome Diagnostic Labs from Nijmegen and Maastricht, Radboudumc and MUMC+
Classification: Benign. Review status: no assertion criteria provided. Collection method: clinical testing. Allele origin: germline. Affected: yes. Study: VKGL Data-share Consensus. Not counted in ClinVar's aggregate classification.

Laboratory of Diagnostic Genome Analysis, Leiden University Medical Center (LUMC)
Classification: Likely benign. Review status: no assertion criteria provided. Collection method: clinical testing. Allele origin: germline. Affected: yes. Study: VKGL Data-share Consensus. Not counted in ClinVar's aggregate classification.